The following is an entry in ClinVar:

NM_018341.3(ERMARD):c.385C>T (p.Leu129=)

Gene: ERMARD (ER membrane associated RNA degradation; plus strand). Cytogenetic location: 6q27.
Variant type: single nucleotide variant.
Coding change: c.385C>T on transcript NM_018341.3 (MANE Select); coding-DNA position 385, C replaced by T.
Protein change: p.Leu129=; no amino-acid change (leucine 129 retained).
Molecular consequence: synonymous variant.
Genome position (GRCh38, 1-based): chr6:169,756,407, C>T. VCF-style: chr6-169756407-C-T. GRCh37 (hg19) VCF-style: chr6-170156503-C-T.
Other names: c.385C>T, p.Leu129= (NM_001278531.2, NM_001278533.2); c.7C>T, p.Leu3= (NM_001278532.2).
Identifiers: ClinVar variation 390449 (VCV000390449.10), dbSNP rs141826774, ClinGen allele CA4105822.

ClinVar aggregate classification (germline): Likely benign. Review status: criteria provided, multiple submitters, no conflicts (2 of 4 stars). 2 submissions from 2 submitters: Likely benign (2). Last evaluated 2025-11-18.

Allele frequency attached by ClinVar (database versions not stated): ExAC 0.00024; gnomAD exomes 0.00029 and 0.00042; gnomAD 0.00035 and 0.00041; TOPMed 0.00036; ESP Exome Variant Server 0.00038.
gnomAD v4.1: 676 of 1,611,736 alleles (0.042%); highest among the groups gnomAD compares: Admixed American, 0.084%; no homozygotes.

Submissions (2):

Labcorp Genetics (formerly Invitae), Labcorp
Classification: Likely benign. Last evaluated: 2025-11-18. Review status: criteria provided, single submitter. Criteria: Invitae Variant Classification Sherloc (09022015). Collection method: clinical testing. Allele origin: germline.

GeneDx
Classification: Likely benign. Last evaluated: 2016-11-09. Review status: criteria provided, single submitter. Criteria: GeneDx Variant Classification (06012015). Collection method: clinical testing. Allele origin: germline. Affected: yes.
Comment: This variant is considered likely benign or benign based on one or more of the following criteria: it is a conservative change, it occurs at a poorly conserved position in the protein, it is predicted to be benign by multiple in silico algorithms, and/or has population frequency not consistent with disease.